The following is an entry in ClinVar:

NM_000071.3(CBS):c.1579C>T (p.Arg527Trp)

Gene: CBS (cystathionine beta-synthase; minus strand). Cytogenetic location: 21q22.3.
Variant type: single nucleotide variant.
Coding change: c.1579C>T on transcript NM_000071.3 (MANE Select); coding-DNA position 1579, C replaced by T.
Protein change: p.Arg527Trp; replaces arginine 527 with tryptophan.
Molecular consequence: missense variant.
Genome position (GRCh38, 1-based): chr21:43,053,957, G>A on the plus strand (C>T on the coding strand, the complement: CBS is on the minus strand). VCF-style: chr21-43053957-G-A. GRCh37 (hg19) VCF-style: chr21-44474067-G-A.
Other names: c.1579C>T, p.Arg527Trp (NM_001178008.3, NM_001178009.3, NM_001320298.2); c.1264C>T, p.Arg422Trp (NM_001321072.1); short protein forms R422W, R527W.
Identifiers: ClinVar variation 1214910 (VCV001214910.10), dbSNP rs1455031864, ClinGen allele CA410394820.

ClinVar aggregate classification (germline): Uncertain significance. Review status: criteria provided, multiple submitters, no conflicts (2 of 4 stars). 3 submissions from 3 submitters: Uncertain significance (3). Last evaluated 2024-02-17.

Conditions:
HYPERHOMOCYSTEINEMIA, THROMBOTIC, CBS-RELATED. Identifiers: MedGen C3150344, OMIM 236200.

Allele frequency attached by ClinVar (database versions not stated): gnomAD exomes below 0.00001.

Submissions (3):

Labcorp Genetics (formerly Invitae), Labcorp
Classification: Uncertain significance for HYPERHOMOCYSTEINEMIA, THROMBOTIC, CBS-RELATED. Last evaluated: 2024-02-17. Review status: criteria provided, single submitter. Criteria: Invitae Variant Classification Sherloc (09022015). Collection method: clinical testing. Allele origin: germline.
Comment: This sequence change replaces arginine, which is basic and polar, with tryptophan, which is neutral and slightly polar, at codon 527 of the CBS protein (p.Arg527Trp). This variant is present in population databases (no rsID available, gnomAD 0.0009%). This variant has not been reported in the literature in individuals affected with CBS-related conditions. ClinVar contains an entry for this variant (Variation ID: 1214910). Advanced modeling of protein sequence and biophysical properties (such as structural, functional, and spatial information, amino acid conservation, physicochemical variation, residue mobility, and thermodynamic stability) has been performed at Invitae for this missense variant, however the output from this modeling did not meet the statistical confidence thresholds required to predict the impact of this variant on CBS protein function. Experimental studies have shown that this missense change affects CBS function (PMID: 11230183). In summary, the available evidence is currently insufficient to determine the role of this variant in disease. Therefore, it has been classified as a Variant of Uncertain Significance.

Blueprint Genetics
Classification: Uncertain significance. Last evaluated: 2022-10-19. Review status: criteria provided, single submitter. Criteria: ACMG Guidelines, 2015. Collection method: clinical testing. Allele origin: germline.

GeneDx
Classification: Uncertain significance. Last evaluated: 2020-04-15. Review status: criteria provided, single submitter. Criteria: GeneDx Variant Classification Process June 2021. Collection method: clinical testing. Allele origin: germline. Affected: yes.
Comment: Not observed at a significant frequency in large population cohorts (Lek et al., 2016); In silico analysis supports that this missense variant has a deleterious effect on protein structure/function; Has not been previously published as pathogenic or benign to our knowledge

Literature cited by the submitters: PubMed 11230183 (cited by Labcorp Genetics (formerly Invitae), Labcorp).